The following is an entry in ClinVar:

NM_020750.3(XPO5):c.3245T>A (p.Met1082Lys)

Genes: POLR1C (RNA polymerase I and III subunit C; plus strand), XPO5 (exportin 5; minus strand). Cytogenetic location: 6p21.1.
Variant type: single nucleotide variant.
Coding change: c.3245T>A on transcript NM_020750.3 (MANE Select); coding-DNA position 3245, T replaced by A.
Protein change: p.Met1082Lys; replaces methionine 1082 with lysine.
Molecular consequence: missense variant. On other transcripts: non-coding transcript variant (1), intron variant (2).
Genome position (GRCh38, 1-based): chr6:43,524,898, A>T on the plus strand (T>A on the coding strand, the complement: XPO5 is on the minus strand). VCF-style: chr6-43524898-A-T. GRCh37 (hg19) VCF-style: chr6-43492636-A-T.
Other names: c.922+3850A>T (NM_001363658.2, NM_001318876.2); short protein forms M1082K.
Identifiers: ClinVar variation 2631248 (VCV002631248.1), dbSNP rs2482924993, ClinGen allele CA364288117.

ClinVar aggregate classification (germline): Uncertain significance (1 of 4 stars; one submission).

Conditions:
XPO5-related disorder. Also called: XPO5-related condition.

Submission:

PreventionGenetics, part of Exact Sciences
Classification: Uncertain significance for XPO5-related condition. Last evaluated: 2023-08-14. Review status: criteria provided, single submitter. Criteria: ACMG Guidelines, 2015. Collection method: clinical testing. Allele origin: germline.
Comment: The XPO5 c.3245T>A variant is predicted to result in the amino acid substitution p.Met1082Lys. To our knowledge, this variant has not been reported in the literature or in a large population database, indicating this variant is rare. At this time, the clinical significance of this variant is uncertain due to the absence of conclusive functional and genetic evidence.